The following is an entry in ClinVar:

ClinVar aggregate classification (germline): Pathogenic (1 of 4 stars; one submission).

Conditions:
Charcot-Marie-Tooth disease type 4. Also called: Charcot-Marie-Tooth disease, type IV; Charcot-Marie-Tooth, Type 4. Identifiers: Orphanet 64749, MedGen C4082197, MONDO:0018995.

Submission:

Labcorp Genetics (formerly Invitae), Labcorp
Classification: Pathogenic for Charcot-Marie-Tooth disease type 4. Last evaluated: 2021-06-11. Review status: criteria provided, single submitter. Criteria: Invitae Variant Classification Sherloc (09022015). Collection method: clinical testing. Allele origin: germline.
Comment: For these reasons, this variant has been classified as Pathogenic. This variant has not been reported in the literature in individuals with NDRG1-related conditions. This variant is a gross deletion of the genomic region encompassing exon(s) 10-11 of the NDRG1 gene. This deletion is out-of-frame, and is expected to create a premature translational stop signal and result in an absent or disrupted protein product. Loss-of-function variants in NDRG1 are known to be pathogenic (PMID: 12872253, 23996628).

Literature cited by the submitters: PubMed 12872253; PubMed 23996628.

NC_000008.10:g.(?_134260948)_(134262796_?)del

Gene: NDRG1 (N-myc downstream regulated 1; minus strand). Cytogenetic location: 8q24.22.
Variant type: Deletion.
Identifiers: ClinVar variation 1457808 (VCV001457808.6).